The following is an entry in ClinVar:

ClinVar aggregate classification (germline): Uncertain significance. Review status: criteria provided, single submitter (1 of 4 stars). 3 submissions from 3 submitters: Uncertain significance (1). 2 of the submissions do not count toward it. Last evaluated 2022-07-19.

Conditions:
Alstrom syndrome (ALMS). Identifiers: Orphanet 64, MedGen C0268425, MONDO:0008763, OMIM 203800.

Allele frequency attached by ClinVar (database versions not stated): ExAC 0.00002; gnomAD 0.00002; gnomAD exomes 0.00002; TOPMed 0.00002; ESP Exome Variant Server 0.00008.
gnomAD v4.1: 33 of 1,613,942 alleles (0.002%); highest among the groups gnomAD compares: African/African-American, 0.0027%; no homozygotes.

Submissions (3):

Labcorp Genetics (formerly Invitae), Labcorp
Classification: Uncertain significance for Alstrom syndrome. Last evaluated: 2022-07-19. Review status: criteria provided, single submitter. Criteria: Invitae Variant Classification Sherloc (09022015). Collection method: clinical testing. Allele origin: germline.
Comment: This sequence change replaces lysine, which is basic and polar, with asparagine, which is neutral and polar, at codon 914 of the ALMS1 protein (p.Lys914Asn). This variant is present in population databases (rs373378385, gnomAD 0.007%). This variant has not been reported in the literature in individuals affected with ALMS1-related conditions. ClinVar contains an entry for this variant (Variation ID: 551463). In summary, the available evidence is currently insufficient to determine the role of this variant in disease. Therefore, it has been classified as a Variant of Uncertain Significance.

Natera, Inc.
Classification: Uncertain significance for Alstrom syndrome. Last evaluated: 2021-04-16. Review status: no assertion criteria provided. Collection method: clinical testing. Allele origin: germline. Not counted in ClinVar's aggregate classification.

Counsyl
Classification: Uncertain significance for Alstrom syndrome. Last evaluated: 2017-04-11. Review status: no assertion criteria provided. Collection method: clinical testing. Allele origin: unknown. Not counted in ClinVar's aggregate classification.

NM_001378454.1(ALMS1):c.2739G>C (p.Lys913Asn)

Gene: ALMS1 (ALMS1 centrosome and basal body associated protein; plus strand). Cytogenetic location: 2p13.1.
Variant type: single nucleotide variant.
Coding change: c.2739G>C on transcript NM_001378454.1 (MANE Select); coding-DNA position 2739, G replaced by C.
Protein change: p.Lys913Asn; replaces lysine 913 with asparagine.
Molecular consequence: missense variant.
Genome position (GRCh38, 1-based): chr2:73,449,266, G>C. VCF-style: chr2-73449266-G-C. GRCh37 (hg19) VCF-style: chr2-73676393-G-C.
Other names: c.2742G>C, p.Lys914Asn (NM_015120.4); short protein forms K914N, K913N.
Identifiers: ClinVar variation 551463 (VCV000551463.10), dbSNP rs373378385, ClinGen allele CA1713407.